The following is an entry in ClinVar:

ClinVar aggregate classification (germline): Uncertain significance (1 of 4 stars; one submission).

Allele frequency attached by ClinVar (database versions not stated): gnomAD exomes below 0.00001.
gnomAD v4.1: 2 of 1,613,710 alleles (0.00012%); highest among the groups gnomAD compares: African/African-American, 0.0027%; no homozygotes.

Submission:

Labcorp Genetics (formerly Invitae), Labcorp
Classification: Uncertain significance. Last evaluated: 2021-09-15. Review status: criteria provided, single submitter. Criteria: Invitae Variant Classification Sherloc (09022015). Collection method: clinical testing. Allele origin: germline.
Comment: In summary, the available evidence is currently insufficient to determine the role of this variant in disease. Therefore, it has been classified as a Variant of Uncertain Significance. Algorithms developed to predict the effect of missense changes on protein structure and function (SIFT, PolyPhen-2, Align-GVGD) all suggest that this variant is likely to be tolerated. This variant has not been reported in the literature in individuals affected with MCM3AP-related conditions. This variant is not present in population databases (ExAC no frequency). This sequence change replaces threonine with isoleucine at codon 167 of the MCM3AP protein (p.Thr167Ile). The threonine residue is moderately conserved and there is a moderate physicochemical difference between threonine and isoleucine.

NM_003906.5(MCM3AP):c.500C>T (p.Thr167Ile)

Gene: MCM3AP (minichromosome maintenance complex component 3 associated protein; minus strand). Cytogenetic location: 21q22.3.
Variant type: single nucleotide variant.
Coding change: c.500C>T on transcript NM_003906.5 (MANE Select); coding-DNA position 500, C replaced by T.
Protein change: p.Thr167Ile; replaces threonine 167 with isoleucine.
Molecular consequence: missense variant.
Genome position (GRCh38, 1-based): chr21:46,284,787, G>A on the plus strand (C>T on the coding strand, the complement: MCM3AP is on the minus strand). VCF-style: chr21-46284787-G-A. GRCh37 (hg19) VCF-style: chr21-47704701-G-A.
Other names: short protein forms T167I.
Identifiers: ClinVar variation 1470020 (VCV001470020.6), dbSNP rs1569086364, ClinGen allele CA410536619.